The following is an entry in ClinVar:

ClinVar aggregate classification (germline): Uncertain significance (1 of 4 stars; one submission).

Conditions:
Inborn genetic diseases. Identifiers: MedGen C0950123, MeSH D030342.

Submission:

Ambry Genetics
Classification: Uncertain significance for Inborn genetic diseases. Last evaluated: 2023-07-05. Review status: criteria provided, single submitter. Criteria: Ambry Variant Classification Scheme 2023. Collection method: clinical testing. Allele origin: germline.
Comment: The p.Y94H variant (also known as c.280T>C), located in coding exon 5 of the ERCC2 gene, results from a T to C substitution at nucleotide position 280. The tyrosine at codon 94 is replaced by histidine, an amino acid with similar properties. This amino acid position is conserved. In addition, the in silico prediction for this alteration is inconclusive. Since supporting evidence is limited at this time, the clinical significance of this alteration remains unclear.

NM_000400.4(ERCC2):c.280T>C (p.Tyr94His)

Gene: ERCC2 (ERCC excision repair 2, TFIIH core complex helicase subunit; minus strand). Cytogenetic location: 19q13.32.
Variant type: single nucleotide variant.
Coding change: c.280T>C on transcript NM_000400.4 (MANE Select); coding-DNA position 280, T replaced by C.
Protein change: p.Tyr94His; replaces tyrosine 94 with histidine.
Molecular consequence: missense variant.
Genome position (GRCh38, 1-based): chr19:45,368,710, A>G on the plus strand (T>C on the coding strand, the complement: ERCC2 is on the minus strand). VCF-style: chr19-45368710-A-G. GRCh37 (hg19) VCF-style: chr19-45871968-A-G.
Other names: c.208T>C, p.Tyr70His (NM_001130867.2); short protein forms Y94H, Y70H.
Identifiers: ClinVar variation 2586776 (VCV002586776.2), dbSNP rs2514043964, ClinGen allele CA406378627.